The following is an entry in ClinVar:

NM_000038.6(APC):c.6413T>G (p.Leu2138Arg)

Gene: APC (APC regulator of Wnt signaling pathway; plus strand). Cytogenetic location: 5q22.2.
Variant type: single nucleotide variant.
Coding change: c.6413T>G on transcript NM_000038.6 (MANE Select); coding-DNA position 6413, T replaced by G.
Protein change: p.Leu2138Arg; replaces leucine 2138 with arginine.
Molecular consequence: missense variant.
Genome position (GRCh38, 1-based): chr5:112,842,007, T>G. VCF-style: chr5-112842007-T-G. GRCh37 (hg19) VCF-style: chr5-112177704-T-G.
Other names: c.6413T>G, p.Leu2138Arg (NM_001127510.3, NM_001354895.2); c.6359T>G, p.Leu2120Arg (NM_001127511.3); c.6467T>G, p.Leu2156Arg (NM_001354896.2); c.6443T>G, p.Leu2148Arg (NM_001354897.2); c.6338T>G, p.Leu2113Arg (NM_001354898.2); c.6329T>G, p.Leu2110Arg (NM_001354899.2); c.6290T>G, p.Leu2097Arg (NM_001354900.2); c.6236T>G, p.Leu2079Arg (NM_001354901.2); and 5 more; short protein forms L2120R, L2138R, L2037R, L2110R, L1978R, L2047R, L2012R, L2079R.
Identifiers: ClinVar variation 229951 (VCV000229951.9), dbSNP rs876658295, ClinGen allele CA10578430.

ClinVar aggregate classification (germline): Uncertain significance. Review status: criteria provided, multiple submitters, no conflicts (2 of 4 stars). 3 submissions from 3 submitters: Uncertain significance (3). Last evaluated 2023-12-05.

Conditions:
Classic or attenuated familial adenomatous polyposis. Identifiers: MedGen CN372698, MONDO:0021057.
Hereditary cancer-predisposing syndrome. Also called: Hereditary neoplastic syndrome; Hereditary Cancer Syndrome; Neoplastic Syndromes, Hereditary; Tumor predisposition. Identifiers: Orphanet 140162, MedGen C0027672, MeSH D009386, MONDO:0015356.

Submissions (3):

Color Diagnostics, LLC DBA Color Health
Classification: Uncertain significance for Hereditary cancer-predisposing syndrome. Last evaluated: 2023-12-05. Review status: criteria provided, single submitter. Criteria: ACMG Guidelines, 2015. Collection method: clinical testing. Allele origin: germline.
Comment: This missense variant replaces leucine with arginine at codon 2138 of the APC protein. Computational prediction tools and conservation analyses suggest that this variant may have deleterious impact on the protein function. Splice site prediction tools suggest that this variant may not impact RNA splicing. To our knowledge, functional assays have not been performed for this variant nor has this variant been reported in individuals affected with hereditary cancer in the literature. This variant has not been identified in the general population by the Genome Aggregation Database (gnomAD). Available evidence is insufficient to determine the role of this variant in disease conclusively. Therefore, this variant is classified as a Variant of Uncertain Significance.

All of Us Research Program, National Institutes of Health
Classification: Uncertain significance for Classic or attenuated familial adenomatous polyposis. Last evaluated: 2023-12-01. Review status: criteria provided, single submitter. Criteria: ACMG Guidelines, 2015. Collection method: clinical testing. Allele origin: germline. Inheritance: Autosomal dominant inheritance. Observed: 1 variant allele, 1 heterozygote.
Comment: This missense variant replaces leucine with arginine at codon 2138 of the APC protein. Computational prediction tools and conservation analyses suggest that this variant may have deleterious impact on the protein function. Splice site prediction tools suggest that this variant may not impact RNA splicing. To our knowledge, functional assays have not been performed for this variant nor has this variant been reported in individuals affected with hereditary cancer in the literature. This variant has not been identified in the general population by the Genome Aggregation Database (gnomAD). Available evidence is insufficient to determine the role of this variant in disease conclusively. Therefore, this variant is classified as a Variant of Uncertain Significance.

This study involves interpretation of variants in research participants for the purpose of population health screening. Participant phenotype was not available at the time of variant classification. Additional details can be found in publication PMID: 35346344, PMCID: PMC8962531

Ambry Genetics
Classification: Uncertain significance for Hereditary cancer-predisposing syndrome. Last evaluated: 2015-01-07. Review status: criteria provided, single submitter. Criteria: Ambry Autosomal Dominant and X-Linked criteria (10/2015). Collection method: clinical testing. Allele origin: germline. Observed: 1 variant allele.
Comment: The p.L2138R variant (also known as c.6413T>G), located in coding exon 15 of the APC gene, results from a T to G substitution at nucleotide position 6413. The leucine at codon 2138 is replaced by arginine, an amino acid with dissimilar properties. This variant was not reported in population based cohorts in the following databases: Database of Single Nucleotide Polymorphisms (dbSNP), NHLBI Exome Sequencing Project (ESP), and 1000 Genomes Project. In the ESP, this variant was not observed in 6502 samples (13004 alleles) with coverage at this position. To date, this alteration has been detected with an allele frequency of approximately 0.005% (greater than 21000 alleles tested) in our clinical cohort. This amino acid position is highly conserved in available vertebrate species. In addition, this alteration is predicted to be probably damaging and tolerated by PolyPhen and SIFT in silico analyses, respectively. Since supporting evidence is limited at this time, the clinical significance of p.L2138R remains unclear.